The following is an entry in ClinVar:

NM_000321.3(RB1):c.343T>C (p.Phe115Leu)

Gene: RB1 (RB transcriptional corepressor 1; plus strand). Cytogenetic location: 13q14.2.
Variant type: single nucleotide variant.
Coding change: c.343T>C on transcript NM_000321.3 (MANE Select); coding-DNA position 343, T replaced by C.
Protein change: p.Phe115Leu; replaces phenylalanine 115 with leucine.
Molecular consequence: missense variant.
Genome position (GRCh38, 1-based): chr13:48,342,677, T>C. VCF-style: chr13-48342677-T-C. GRCh37 (hg19) VCF-style: chr13-48916813-T-C.
Other names: short protein forms F115L.
Identifiers: ClinVar variation 458165 (VCV000458165.9), dbSNP rs1555282792, ClinGen allele CA388252489.
Genomic context (GRCh38, chr13:48,342,677, plus strand): 5'-AAAAAGGAACTGTGGGGAATCTGTATCTTTATTGCAGCAGTTGACCTAGATGAGATGTCG[T>C]TCACTTTTACTGAGCTACAGAAAAACATAGAAATCAGGTAAAGTTTCTTGTATAAATATA-3'
Protein context (NP_000312.2, residues 105-125): IAAVDLDEMS[Phe115Leu]TFTELQKNIE

ClinVar aggregate classification (germline): Uncertain significance. Review status: criteria provided, multiple submitters, no conflicts (2 of 4 stars). 2 submissions from 2 submitters: Uncertain significance (2). Last evaluated 2024-12-23.

Conditions:
Hereditary cancer-predisposing syndrome. Also called: Neoplastic Syndromes, Hereditary; Tumor predisposition; Hereditary Cancer Syndrome; Hereditary neoplastic syndrome. Identifiers: Orphanet 140162, MedGen C0027672, MeSH D009386, MONDO:0015356.
Retinoblastoma (RB1). Also called: RETINOBLASTOMA, SOMATIC. Identifiers: Orphanet 790, MedGen C0035335, MeSH D012175, MONDO:0008380, OMIM 180200, HP:0009919. Disease mechanism: loss of function. Inheritance: Both sporadic and heritable forms are tested..

Allele frequency attached by ClinVar (database versions not stated): TOPMed below 0.00001.

Submissions (2):

Ambry Genetics
Classification: Uncertain significance for Hereditary cancer-predisposing syndrome. Last evaluated: 2024-12-23. Review status: criteria provided, single submitter. Criteria: Ambry Variant Classification Scheme 2023. Collection method: clinical testing. Allele origin: germline.
Comment: The p.F115L variant (also known as c.343T>C), located in coding exon 3 of the RB1 gene, results from a T to C substitution at nucleotide position 343. The phenylalanine at codon 115 is replaced by leucine, an amino acid with highly similar properties. This amino acid position is highly conserved in available vertebrate species. In addition, the in silico prediction for this alteration is inconclusive. Based on the available evidence, the clinical significance of this variant remains unclear.

Labcorp Genetics (formerly Invitae), Labcorp
Classification: Uncertain significance for Retinoblastoma. Last evaluated: 2017-07-19. Review status: criteria provided, single submitter. Criteria: Invitae Variant Classification Sherloc (09022015). Collection method: clinical testing. Allele origin: germline.
Comment: In summary, the available evidence is currently insufficient to determine the role of this variant in disease. Therefore, it has been classified as a Variant of Uncertain Significance. Algorithms developed to predict the effect of missense changes on protein structure and function do not agree on the potential impact of this missense change (SIFT: "Tolerated"; PolyPhen-2: "Probably Damaging"; Align-GVGD: "Class C0"). This variant has not been reported in the literature in individuals with RB1-related disease. This variant is not present in population databases (ExAC no frequency). This sequence change replaces phenylalanine with leucine at codon 115 of the RB1 protein (p.Phe115Leu). The phenylalanine residue is highly conserved and there is a small physicochemical difference between phenylalanine and leucine.